The following is an entry in ClinVar:

NM_139276.3(STAT3):c.*123dup

Gene: STAT3 (signal transducer and activator of transcription 3; minus strand). Cytogenetic location: 17q21.2.
Variant type: Duplication.
Coding change: c.*123dup on transcript NM_139276.3 (MANE Select); 123 bases downstream of the stop codon, one base duplicated (T; older notation c.*123dupT).
Molecular consequence: 3 prime UTR variant.
Genome position (GRCh38, 1-based): chr17:42,315,622, A duplicated on the plus strand (T on the coding strand, the reverse complement: STAT3 is on the minus strand); the first of 8 consecutive A bases (chr17:42,315,622-42,315,629); duplicating any one gives the same sequence. VCF-style (leftmost placement, unchanged base first): chr17-42315621-T-TA. GRCh37 (hg19) VCF-style: chr17-40467639-T-TA.
Other names: c.*123dup (NM_001369512.1, NM_001369513.1, NM_001369514.1 and 10 more transcripts); c.*217dup (NM_001369517.1, NM_001369518.1, NM_001369519.1 and 4 more transcripts); c.*123dupT (NM_139276.2).
Identifiers: ClinVar variation 1704621 (VCV001704621.1), dbSNP rs201259337, ClinGen allele CA290726743.

ClinVar aggregate classification (germline): Benign (1 of 4 stars; one submission).

Submission:

Women's Health and Genetics/Laboratory Corporation of America, LabCorp
Classification: Benign. Last evaluated: 2022-07-13. Review status: criteria provided, single submitter. Criteria: LabCorp Variant Classification Summary - May 2015. Collection method: clinical testing. Allele origin: germline.
Comment: Variant summary: STAT3 c.*123dupT is located in the untranslated mRNA region downstream of the termination codon. The variant allele was found at a frequency of 0.00061 in 31310 control chromosomes, predominantly at a frequency of 0.0022 within the African or African-American subpopulation in the gnomAD database. The observed variant frequency within African or African-American control individuals in the gnomAD database is approximately 1000 fold of the estimated maximal expected allele frequency for a pathogenic variant in STAT3 causing Hyper IgE Syndrome phenotype (2.2e-06), strongly suggesting that the variant is a benign polymorphism found primarily in populations of African or African-American origin. To our knowledge, no occurrence of c.*123dupT in individuals affected with Hyper IgE Syndrome and no experimental evidence demonstrating its impact on protein function have been reported. No clinical diagnostic laboratories have submitted clinical-significance assessments for this variant to ClinVar after 2014. Based on the evidence outlined above, the variant was classified as benign.